The following is an entry in ClinVar:

NM_001267550.2(TTN):c.64147G>A (p.Ala21383Thr)

Genes: TTN (titin; minus strand), TTN-AS1 (TTN antisense RNA 1; plus strand). Cytogenetic location: 2q31.2.
Variant type: single nucleotide variant.
Coding change: c.64147G>A on transcript NM_001267550.2 (MANE Select); coding-DNA position 64147, G replaced by A.
Protein change: p.Ala21383Thr; replaces alanine 21383 with threonine.
Molecular consequence: missense variant.
Genome position (GRCh38, 1-based): chr2:178,586,754, C>T on the plus strand (G>A on the coding strand, the complement: TTN is on the minus strand). VCF-style: chr2-178586754-C-T. GRCh37 (hg19) VCF-style: chr2-179451481-C-T.
Other names: c.59224G>A, p.Ala19742Thr (NM_001256850.1); c.56443G>A, p.Ala18815Thr (NM_133378.4); c.36952G>A, p.Ala12318Thr (NM_003319.4); c.37327G>A, p.Ala12443Thr (NM_133432.3); c.37528G>A, p.Ala12510Thr (NM_133437.4); short protein forms A18815T, A21383T, A19742T, A12443T, A12318T, A12510T.
Identifiers: ClinVar variation 165903 (VCV000165903.7), dbSNP rs727503582, ClinGen allele CA178614.
Genomic context (GRCh38, chr2:178,586,754, plus strand): 5'-TGATGTAGCCATCGATTTTAGCACCTCCATCACGTAGGGGAGGTAACCAGGCTAAGGTGG[C>T]ACTGTTCTTGGTCATTTCAGTCACTTCTAATTTCCTTGGGGGATCCGGCTCACCTAGAAG-3'
Protein context (NP_001254479.2, residues 21373-21393): LEVTEMTKNS[Ala21383Thr]TLAWLPPLRD

ClinVar aggregate classification (germline): Uncertain significance. Review status: criteria provided, multiple submitters, no conflicts (2 of 4 stars). 2 submissions from 2 submitters: Uncertain significance (2). Last evaluated 2017-10-19.

Conditions:
Cardiomyopathy (CMYO). Also called: Cardiomyopathies. Identifiers: Orphanet 167848, MedGen C0878544, MONDO:0004994, HP:0001638. Inheritance: Various modes of inheritance.

Allele frequency attached by ClinVar (database versions not stated): gnomAD exomes below 0.00001 and 0.00003; TOPMed below 0.00001; ExAC 0.00001; gnomAD 0.00001.
gnomAD v4.1: 44 of 1,612,936 alleles (0.0027%); highest among the groups gnomAD compares: Non-Finnish European, 0.0037%; no homozygotes.

Submissions (2):

CHEO Genetics Diagnostic Laboratory, Children's Hospital of Eastern Ontario
Classification: Uncertain significance for Cardiomyopathy. Last evaluated: 2017-10-19. Review status: criteria provided, single submitter. Criteria: ACMG Guidelines, 2015. Collection method: clinical testing. Allele origin: germline. Study: Canadian Open Genetics Repository.

Laboratory for Molecular Medicine, Mass General Brigham Personalized Medicine
Classification: Uncertain significance. Last evaluated: 2014-09-10. Review status: criteria provided, single submitter. Criteria: LMM Criteria. Collection method: clinical testing. Allele origin: germline. Observed: 1 variant allele.
Comment: The Ala18815Thr variant in TTN has not been reported in individuals with cardiom yopathy or in large population studies. Computational prediction tools and conse rvation analysis do not provide strong support for or against an impact to the p rotein. In summary, the clinical significance of this variant is uncertain.